The following is an entry in ClinVar:

NM_005996.4(TBX3):c.1018G>A (p.Val340Ile)

Gene: TBX3 (T-box transcription factor 3; minus strand). Cytogenetic location: 12q24.21.
Variant type: single nucleotide variant.
Coding change: c.1018G>A on transcript NM_005996.4 (MANE Select); coding-DNA position 1018, G replaced by A.
Protein change: p.Val340Ile; replaces valine 340 with isoleucine.
Molecular consequence: missense variant.
Genome position (GRCh38, 1-based): chr12:114,676,334, C>T on the plus strand (G>A on the coding strand, the complement: TBX3 is on the minus strand). VCF-style: chr12-114676334-C-T. GRCh37 (hg19) VCF-style: chr12-115114139-C-T.
Other names: c.1078G>A, p.Val360Ile (NM_016569.4); short protein forms V340I, V360I.
Identifiers: ClinVar variation 3685208 (VCV003685208.2).
Genomic context (GRCh38, chr12:114,676,334, plus strand): 5'-GGACTGGAGTCCAGTGATCACAAAGGTGACATGGTTTACCTTTGAGGTTCGATGTCCCTA[C>T]AGTGGAGGCGGCTGGAGAAGAAGCCTGGGCGAAGCAGTTGAAAGCTGCTTGTTCACTGGA-3'
Protein context (NP_005987.3, residues 330-350): AQASSPAAST[Val340Ile]GTSNLKDLCP

ClinVar aggregate classification (germline): Uncertain significance (1 of 4 stars; one submission).

Conditions:
Ulnar-mammary syndrome (UMS). Also called: SCHINZEL SYNDROME; Ulnar-mammary syndrome of Pallister; PALLISTER ULNAR-MAMMARY SYNDROME. Identifiers: Orphanet 3138, MedGen C1866994, MONDO:0008411, OMIM 181450.

gnomAD v4.1: 1 of 1,614,072 alleles (0.000062%); highest among the groups gnomAD compares: Non-Finnish European, 0.000085%; no homozygotes.

Submission:

Labcorp Genetics (formerly Invitae), Labcorp
Classification: Uncertain significance for Ulnar-mammary syndrome. Last evaluated: 2024-03-16. Review status: criteria provided, single submitter. Criteria: Invitae Variant Classification Sherloc (09022015). Collection method: clinical testing. Allele origin: germline.
Comment: This sequence change replaces valine, which is neutral and non-polar, with isoleucine, which is neutral and non-polar, at codon 340 of the TBX3 protein (p.Val340Ile). This variant is present in population databases (rs748769415, gnomAD 0.002%). This variant has not been reported in the literature in individuals affected with TBX3-related conditions. An algorithm developed to predict the effect of missense changes on protein structure and function (PolyPhen-2) suggests that this variant is likely to be tolerated. In summary, the available evidence is currently insufficient to determine the role of this variant in disease. Therefore, it has been classified as a Variant of Uncertain Significance.